The following is an entry in ClinVar:

ClinVar aggregate classification (germline): Pathogenic. Review status: criteria provided, multiple submitters, no conflicts (2 of 4 stars). 2 submissions from 2 submitters: Pathogenic (2). Last evaluated 2024-10-08.

Conditions:
Basal cell nevus syndrome 1 (BCNS1). Also called: GORLIN-GOLTZ SYNDROME; MULTIPLE BASAL CELL NEVI, ODONTOGENIC KERATOCYSTS, AND SKELETAL ANOMALIES. Identifiers: MedGen CN376810, MONDO:0958174, OMIM 109400.
Gorlin syndrome. Also called: Nevoid Basal Cell Carcinoma Syndrome; Basal cell nevus syndrome. Identifiers: Orphanet 377, MedGen C0004779, MONDO:0007187.

Submissions (2):

Institute for Genomic Medicine (IGM) Clinical Laboratory, Nationwide Children's Hospital
Classification: Pathogenic for Basal cell nevus syndrome 1. Last evaluated: 2024-10-08. Review status: criteria provided, single submitter. Criteria: ACMG Guidelines, 2015. Collection method: clinical testing. Allele origin: germline.
Comment: This variant is predicted to result in loss of function through nonsense-mediated decay of the encoded transcript or premature truncation of the encoded protein in a gene in which loss of function is a known mechanism of disease (ACMG/AMP: PVS1; PMIDs:16301862, 16419085). This variant has been reported at an elevated frequency in affected individuals/in multiple affected individuals in the literature (ACMG/AMP: PS4_Supporting; PMIDs:29575684, 29753700). This variant is absent from or present at an exceedingly low frequency in gnomAD, a large-scale control population database (ACMG/AMP: PM2).

Labcorp Genetics (formerly Invitae), Labcorp
Classification: Pathogenic for Gorlin syndrome. Last evaluated: 2022-08-05. Review status: criteria provided, single submitter. Criteria: Invitae Variant Classification Sherloc (09022015). Collection method: clinical testing. Allele origin: germline.
Comment: For these reasons, this variant has been classified as Pathogenic. Algorithms developed to predict the effect of sequence changes on RNA splicing suggest that this variant may disrupt the consensus splice site. ClinVar contains an entry for this variant (Variation ID: 524511). Disruption of this splice site has been observed in individuals with clinical features of basal cell nevus syndrome (PMID: 29753700; Invitae). This variant is not present in population databases (gnomAD no frequency). This sequence change affects an acceptor splice site in intron 15 of the PTCH1 gene. It is expected to disrupt RNA splicing. Variants that disrupt the donor or acceptor splice site typically lead to a loss of protein function (PMID: 16199547), and loss-of-function variants in PTCH1 are known to be pathogenic (PMID: 16301862, 16419085).

Literature cited by the submitters: PubMed 16301862 (cited by Institute for Genomic Medicine (IGM) Clinical Laboratory, Nationwide Children's Hospital and Labcorp Genetics (formerly Invitae), Labcorp); PubMed 16419085 (cited by Institute for Genomic Medicine (IGM) Clinical Laboratory, Nationwide Children's Hospital and Labcorp Genetics (formerly Invitae), Labcorp); PubMed 29575684 (cited by Institute for Genomic Medicine (IGM) Clinical Laboratory, Nationwide Children's Hospital); PubMed 29753700 (cited by Institute for Genomic Medicine (IGM) Clinical Laboratory, Nationwide Children's Hospital and Labcorp Genetics (formerly Invitae), Labcorp); PubMed 16199547 (cited by Labcorp Genetics (formerly Invitae), Labcorp).

NM_000264.5(PTCH1):c.2561-2A>G

Gene: PTCH1 (patched 1; minus strand). Cytogenetic location: 9q22.32.
Variant type: single nucleotide variant.
Coding change: c.2561-2A>G on transcript NM_000264.5 (MANE Select); the canonical splice acceptor site of the intron before coding-DNA position 2561, A replaced by G.
Molecular consequence: splice acceptor variant.
Genome position (GRCh38, 1-based): chr9:95,462,000, T>C on the plus strand (A>G on the coding strand, the complement: PTCH1 is on the minus strand). VCF-style: chr9-95462000-T-C. GRCh37 (hg19) VCF-style: chr9-98224282-T-C.
Other names: c.2405-2A>G (NM_001354918.2); c.2108-2A>G (NM_001083605.3, NM_001083604.3, NM_001083606.3 and 1 more transcripts); c.2558-2A>G (NM_001083603.3); c.2363-2A>G (NM_001083602.3).
Identifiers: ClinVar variation 524511 (VCV000524511.7), dbSNP rs878853852, ClinGen allele CA374113601.